The following is an entry in ClinVar:

NM_000173.7(GP1BA):c.92T>C (p.Val31Ala)

Gene: GP1BA (glycoprotein Ib platelet subunit alpha; plus strand). Cytogenetic location: 17p13.2.
Variant type: single nucleotide variant.
Coding change: c.92T>C on transcript NM_000173.7 (MANE Select); coding-DNA position 92, T replaced by C.
Protein change: p.Val31Ala; replaces valine 31 with alanine.
Molecular consequence: missense variant.
Genome position (GRCh38, 1-based): chr17:4,932,696, T>C. VCF-style: chr17-4932696-T-C. GRCh37 (hg19) VCF-style: chr17-4835991-T-C.
Other names: p.Val31Ala; NM_000173.7(GP1BA):c.92T>C; short protein forms V31A.
Identifiers: ClinVar variation 585094 (VCV000585094.6), dbSNP rs201827537, ClinGen allele CA8314693.

ClinVar aggregate classification (germline): Uncertain significance. Review status: reviewed by expert panel (3 of 4 stars). 4 submissions from 4 submitters: Uncertain significance (1). 3 of the submissions do not count toward it. Last evaluated 2025-02-11.

Conditions:
Bernard Soulier syndrome (BSS). Also called: BLEEDING DISORDER, PLATELET-TYPE, 1; GLYCOPROTEIN Ib, PLATELET, DEFICIENCY OF; Platelet Glycoprotein 1b, Deficiency of; PLATELET GLYCOPROTEIN Ib DEFICIENCY; VON WILLEBRAND FACTOR RECEPTOR DEFICIENCY; Giant platelet syndrome. Identifiers: Orphanet 274, MedGen C0005129, MeSH D001606, MONDO:0009276, OMIM 231200.
Bernard-Soulier syndrome, type A2, autosomal dominant (BSSA2). Also called: Bernard-Soulier syndrome, type A2 (dominant). Identifiers: Orphanet 274, MedGen C3277076, MONDO:0007930, OMIM 153670.
Pseudo von Willebrand disease (VWDP). Also called: BLEEDING DISORDER, PLATELET-TYPE, 3; Platelet-type von Willebrand disease. Identifiers: Orphanet 52530, MedGen C1280798, MONDO:0008332, OMIM 177820.

Allele frequency attached by ClinVar (database versions not stated): ESP Exome Variant Server 0.00062; gnomAD 0.00073 and 0.00078; TOPMed 0.00080; gnomAD exomes 0.00086 and 0.00125; ExAC 0.00111.

Submissions (4):

ClinGen Platelet Disorders Variant Curation Expert Panel, ClinGen
Classification: Uncertain significance for Bernard Soulier syndrome. Last evaluated: 2025-02-11. Review status: reviewed by expert panel. Criteria: ClinGen Platelet ACMG Specifications GP1BA V1.0.0. Collection method: curation. Allele origin: germline. Inheritance: Autosomal recessive inheritance.
Comment: The missense variant NM_000173.7(GP1BA):c.92T>C (p.Val31Ala) has been reported in one macrothrombocytopenia patient heterozygous for this variant (PMID: 34400424) however the same variant was detected in the mother with normal laboratory parameters. No BSS patients have been reported to our knowledge. The Grpmax Filtering allele frequency in gnomAD v4.1 is 0.0006253 (based on 784/1179792 alleles) in the European (non-Finnish) population, which is higher than the ClinGen PD VCEP threshold (>0.0005; BS1). In summary, this variant meets the criteria to be classified as uncertain significance for autosomal recessive Bernard-Soulier syndrome based on the ACMG/AMP criteria applied, as specified by the ClinGen PD VCEP: BS1 (ClinGen Platelet Disorders VCEP specifications version 1).

Mayo Clinic Laboratories, Mayo Clinic
Classification: Likely benign. Last evaluated: 2025-12-17. Review status: criteria provided, single submitter. Criteria: ACMG Guidelines, 2015. Collection method: clinical testing. Allele origin: germline. Observed: 6 variant alleles. Not counted in ClinVar's aggregate classification.
Comment: BS1, BS2, PM1

Labcorp Genetics (formerly Invitae), Labcorp
Classification: Benign. Last evaluated: 2025-07-23. Review status: criteria provided, single submitter. Criteria: Invitae Variant Classification Sherloc (09022015). Collection method: clinical testing. Allele origin: germline. Not counted in ClinVar's aggregate classification.

Blueprint Genetics
Classification: Likely benign. Last evaluated: 2024-11-25. Review status: criteria provided, single submitter. Criteria: ACMG Guidelines, 2015. Collection method: clinical testing. Allele origin: germline. Not counted in ClinVar's aggregate classification.

Literature cited by the submitters: PubMed 26849716 (cited by Mayo Clinic Laboratories, Mayo Clinic).